The following is an entry in ClinVar:

NM_002691.4(POLD1):c.2023G>T (p.Ala675Ser)

Gene: POLD1 (DNA polymerase delta 1, catalytic subunit; plus strand). Cytogenetic location: 19q13.33.
Variant type: single nucleotide variant.
Coding change: c.2023G>T on transcript NM_002691.4 (MANE Select); coding-DNA position 2023, G replaced by T.
Protein change: p.Ala675Ser; replaces alanine 675 with serine.
Molecular consequence: missense variant. On other transcripts: non-coding transcript variant (1).
Genome position (GRCh38, 1-based): chr19:50,409,535, G>T. VCF-style: chr19-50409535-G-T. GRCh37 (hg19) VCF-style: chr19-50912792-G-T.
Other names: c.2023G>T, p.Ala675Ser (NM_001256849.1); c.2101G>T, p.Ala701Ser (NM_001308632.1); short protein forms A675S, A701S.
Identifiers: ClinVar variation 663549 (VCV000663549.13), dbSNP rs753870000, ClinGen allele CA9596371.

ClinVar aggregate classification (germline): Conflicting classifications of pathogenicity. Review status: criteria provided, conflicting classifications (1 of 4 stars). 2 submissions from 2 submitters: Uncertain significance (1); Likely benign (1). Last evaluated 2025-01-10.

Conditions:
POLD1-related polyposis and colorectal cancer syndrome (CRCS10). Also called: Colorectal cancer, susceptibility to, 10; Colorectal cancer 10; COLORECTAL CANCER, SUSCEPTIBILITY TO, ON CHROMOSOME 19q. Identifiers: Orphanet 220460, MedGen C2675481, MONDO:0012953, OMIM 612591.
Hereditary cancer-predisposing syndrome. Also called: Hereditary neoplastic syndrome; Tumor predisposition; Hereditary Cancer Syndrome; Neoplastic Syndromes, Hereditary. Identifiers: Orphanet 140162, MedGen C0027672, MeSH D009386, MONDO:0015356.

Allele frequency attached by ClinVar (database versions not stated): TOPMed below 0.00001; ExAC 0.00001.

Submissions (2):

Ambry Genetics
Classification: Likely benign for Hereditary cancer-predisposing syndrome. Last evaluated: 2025-01-10. Review status: criteria provided, single submitter. Criteria: Ambry Variant Classification Scheme 2023. Collection method: clinical testing. Allele origin: germline.

Labcorp Genetics (formerly Invitae), Labcorp
Classification: Uncertain significance for POLD1-related polyposis and colorectal cancer syndrome. Last evaluated: 2025-01-06. Review status: criteria provided, single submitter. Criteria: Invitae Variant Classification Sherloc (09022015). Collection method: clinical testing. Allele origin: germline.
Comment: This sequence change replaces alanine, which is neutral and non-polar, with serine, which is neutral and polar, at codon 675 of the POLD1 protein (p.Ala675Ser). This variant is present in population databases (rs753870000, gnomAD 0.0009%). This variant has not been reported in the literature in individuals affected with POLD1-related conditions. ClinVar contains an entry for this variant (Variation ID: 663549). Invitae Evidence Modeling of protein sequence and biophysical properties (such as structural, functional, and spatial information, amino acid conservation, physicochemical variation, residue mobility, and thermodynamic stability) indicates that this missense variant is not expected to disrupt POLD1 protein function with a negative predictive value of 80%. In summary, the available evidence is currently insufficient to determine the role of this variant in disease. Therefore, it has been classified as a Variant of Uncertain Significance.